The following is an entry in ClinVar:

NM_152641.4(ARID2):c.89G>C (p.Arg30Thr)

Genes: ARID2 (AT-rich interaction domain 2; plus strand), LOC130007728 (ATAC-STARR-seq lymphoblastoid silent region 4376; plus strand). Cytogenetic location: 12q12.
Variant type: single nucleotide variant.
Coding change: c.89G>C on transcript NM_152641.4 (MANE Select); coding-DNA position 89, G replaced by C.
Protein change: p.Arg30Thr; replaces arginine 30 with threonine.
Molecular consequence: missense variant.
Genome position (GRCh38, 1-based): chr12:45,729,925, G>C. VCF-style: chr12-45729925-G-C. GRCh37 (hg19) VCF-style: chr12-46123708-G-C.
Other names: c.89G>C, p.Arg30Thr (NM_001347839.2); short protein forms R30T.
Identifiers: ClinVar variation 3027272 (VCV003027272.22), dbSNP rs995867385, ClinGen allele CA236966923.
Genomic context (GRCh38, chr12:45,729,925, plus strand): 5'-CGGACGAGCGGAGAAAGGGACTCGCTTTCCTGGACGAGCTGCGGCAGTTCCACCACAGCA[G>C]AGGGTGAGAGCAGAACCGGGGGGGCAGCGCCGGGGCGAGCCGGGGCGAACGGGGCTCTCC-3'
Protein context (NP_689854.2, residues 20-40): LDELRQFHHS[Arg30Thr]GSPFKKIPAV

ClinVar aggregate classification (germline): Uncertain significance (1 of 4 stars; one submission).

Allele frequency attached by ClinVar (database versions not stated): TOPMed below 0.00001; gnomAD 0.00001.
gnomAD v4.1: 14 of 1,608,214 alleles (0.00087%); highest among the groups gnomAD compares: Non-Finnish European, 0.0012%; no homozygotes.

Submission:

CeGaT Center for Human Genetics Tuebingen
Classification: Uncertain significance. Last evaluated: 2024-02-01. Review status: criteria provided, single submitter. Criteria: CeGaT Center For Human Genetics Tuebingen Variant Classification Criteria Version 2. Collection method: clinical testing. Allele origin: germline. Affected: yes. Observed: 1 variant allele.
Comment: ARID2: PP2